The following is an entry in ClinVar:

ClinVar aggregate classification (germline): Uncertain significance (1 of 4 stars; one submission).

Conditions:
Hereditary spastic paraplegia 2 (SPG2). Also called: SPASTIC PARAPLEGIA 2, X-LINKED; Spastic Paraplegia 2 (SPG2). Identifiers: Orphanet 99015, MedGen C0751604, MONDO:0010733, OMIM 312920.

Submission:

Labcorp Genetics (formerly Invitae), Labcorp
Classification: Uncertain significance for Hereditary spastic paraplegia 2. Last evaluated: 2022-03-26. Review status: criteria provided, single submitter. Criteria: Invitae Variant Classification Sherloc (09022015). Collection method: clinical testing. Allele origin: germline.
Comment: In summary, the available evidence is currently insufficient to determine the role of this variant in disease. Therefore, it has been classified as a Variant of Uncertain Significance. Algorithms developed to predict the effect of missense changes on protein structure and function are either unavailable or do not agree on the potential impact of this missense change (SIFT: "Not Available"; PolyPhen-2: "Probably Damaging"; Align-GVGD: "Not Available"). This variant has not been reported in the literature in individuals affected with PLP1-related conditions. This variant is not present in population databases (gnomAD no frequency). This sequence change replaces alanine, which is neutral and non-polar, with aspartic acid, which is acidic and polar, at codon 39 of the PLP1 protein (p.Ala39Asp).

NM_000533.5(PLP1):c.116C>A (p.Ala39Asp)

Genes: PLP1 (proteolipid protein 1; plus strand), RAB9B (RAB9B, member RAS oncogene family; minus strand). Cytogenetic location: Xq22.2.
Variant type: single nucleotide variant.
Coding change: c.116C>A on transcript NM_000533.5 (MANE Select); coding-DNA position 116, C replaced by A.
Protein change: p.Ala39Asp; replaces alanine 39 with aspartic acid.
Molecular consequence: missense variant. On other transcripts: intron variant (1).
Genome position (GRCh38, 1-based): chrX:103,785,693, C>A. VCF-style: chrX-103785693-C-A. GRCh37 (hg19) VCF-style: chrX-103040622-C-A.
Other names: c.116C>A, p.Ala39Asp (NM_001128834.3, NM_199478.3); c.5-54C>A (NM_001305004.1); short protein forms A39D.
Identifiers: ClinVar variation 2117345 (VCV002117345.4), dbSNP rs2522301535, ClinGen allele CA414102119.